The following is an entry in ClinVar:

NM_004006.3(DMD):c.1888A>G (p.Thr630Ala)

Gene: DMD (dystrophin; minus strand). Cytogenetic location: Xp21.1.
Variant type: single nucleotide variant.
Coding change: c.1888A>G on transcript NM_004006.3 (MANE Select); coding-DNA position 1888, A replaced by G.
Protein change: p.Thr630Ala; replaces threonine 630 with alanine.
Molecular consequence: missense variant.
Genome position (GRCh38, 1-based): chrX:32,565,806, T>C on the plus strand (A>G on the coding strand, the complement: DMD is on the minus strand). VCF-style: chrX-32565806-T-C. GRCh37 (hg19) VCF-style: chrX-32583923-T-C.
Other names: p.T630A:ACA>GCA; c.1864A>G, p.Thr622Ala (NM_000109.4); c.1876A>G, p.Thr626Ala (NM_004009.3); c.1519A>G, p.Thr507Ala (NM_004010.3); short protein forms T630A, T626A, T507A, T622A.
Identifiers: ClinVar variation 201730 (VCV000201730.27), dbSNP rs72468692, ClinGen allele CA308340.

ClinVar aggregate classification (germline): Benign/Likely benign. Review status: criteria provided, multiple submitters, no conflicts (2 of 4 stars). 9 submissions from 9 submitters: Benign (5); Likely benign (3). 1 of the submissions does not count toward it. Last evaluated 2026-01-19.

Conditions:
Cardiomyopathy (CMYO). Also called: Cardiomyopathies. Identifiers: Orphanet 167848, MedGen C0878544, MONDO:0004994, HP:0001638. Inheritance: Various modes of inheritance.
Becker muscular dystrophy (BMD). Also called: MUSCULAR DYSTROPHY, PSEUDOHYPERTROPHIC PROGRESSIVE, BECKER TYPE; Becker Muscular Dystrophy (BMD). Identifiers: Orphanet 98895, MedGen C0917713, MONDO:0010311, OMIM 300376.
Duchenne muscular dystrophy (DMD). Also called: MUSCULAR DYSTROPHY, PSEUDOHYPERTROPHIC PROGRESSIVE, DUCHENNE TYPE; Duchenne Muscular Dystrophy (DMD). Identifiers: Orphanet 98896, MedGen C0013264, MONDO:0010679, OMIM 310200.
Dystrophin deficiency.
Cardiovascular phenotype. Identifiers: MedGen CN230736.
Dilated cardiomyopathy 3B (CMD3B). Also called: CMD3B: DMD-Related Dilated Cardiomyopathy; CARDIOMYOPATHY, DILATED, X-LINKED; DMD-Associated Dilated Cardiomyopathy. Identifiers: Orphanet 154, MedGen C3668940, MONDO:0010542, OMIM 302045.

Allele frequency attached by ClinVar (database versions not stated): ESP Exome Variant Server 0.00009; TOPMed 0.00032; 1000 Genomes Project 30x 0.00042; 1000 Genomes Project 0.00053; gnomAD 0.00118 and 0.00124; ExAC 0.00154; gnomAD exomes 0.00159.
gnomAD v4.1: 1,143 of 1,209,404 alleles (0.095%); highest among the groups gnomAD compares: Middle Eastern, 0.12%; 2 homozygotes.

Submissions (9):

Labcorp Genetics (formerly Invitae), Labcorp
Classification: Benign for Duchenne muscular dystrophy. Last evaluated: 2026-01-19. Review status: criteria provided, single submitter. Criteria: Invitae Variant Classification Sherloc (09022015). Collection method: clinical testing. Allele origin: germline.

Blueprint Genetics
Classification: Likely benign. Last evaluated: 2024-11-13. Review status: criteria provided, single submitter. Criteria: ACMG Guidelines, 2015. Collection method: clinical testing. Allele origin: germline.

ARUP Laboratories, Molecular Genetics and Genomics, ARUP Laboratories
Classification: Benign. Last evaluated: 2022-04-27. Review status: criteria provided, single submitter. Criteria: ARUP Molecular Germline Variant Investigation Process 2021. Collection method: clinical testing. Allele origin: germline.

Women's Health and Genetics/Laboratory Corporation of America, LabCorp
Classification: Benign. Last evaluated: 2020-11-23. Review status: criteria provided, single submitter. Criteria: LabCorp Variant Classification Summary - May 2015. Collection method: clinical testing. Allele origin: germline.
Comment: Variant summary: DMD c.1888A>G (p.Thr630Ala) results in a non-conservative amino acid change in the encoded protein sequence. Four of five in-silico tools predict a benign effect of the variant on protein function. The variant allele was found at a frequency of 0.0016 in 183238 control chromosomes. The observed variant frequency is approximately 144 fold of the estimated maximal expected allele frequency for a pathogenic variant in DMD causing Dystrophinopathies phenotype (1.1e-05), strongly suggesting that the variant is benign. Five clinical diagnostic laboratories have submitted clinical-significance assessments for this variant to ClinVar after 2014 without evidence for independent evaluation. All laboratories classified the variant as benign/likely benign. Based on the evidence outlined above, the variant was classified as benign.

GeneDx
Classification: Likely benign. Last evaluated: 2019-12-27. Review status: criteria provided, single submitter. Criteria: GeneDx Variant Classification Process June 2021. Collection method: clinical testing. Allele origin: germline. Affected: yes.
Comment: This variant is associated with the following publications: (PMID: 24274981, 19937601)

Illumina Laboratory Services, Illumina
Classification: Likely benign for Dilated cardiomyopathy 3B. Last evaluated: 2018-01-13. Review status: criteria provided, single submitter. Criteria: ICSL Variant Classification Criteria 13 December 2019. Collection method: clinical testing. Allele origin: germline.
Comment: This variant was observed in the ICSL laboratory as part of a predisposition screen in an ostensibly healthy population. It had not been previously curated by ICSL or reported in the Human Gene Mutation Database (HGMD: prior to June 1st, 2018), and was therefore a candidate for classification through an automated scoring system. Utilizing variant allele frequency, disease prevalence and penetrance estimates, and inheritance mode, an automated score was calculated to assess if this variant is too frequent to cause the disease. Based on the score and internal cut-off values, a variant classified as likely benign is not then subjected to further curation. The score for this variant resulted in a classification of likely benign for this disease.

Eurofins Ntd Llc (ga)
Classification: Benign. Last evaluated: 2015-11-21. Review status: criteria provided, single submitter. Criteria: EGL Classification Definitions 2015. Collection method: clinical testing. Allele origin: germline. Observed: 2 variant alleles, 2 heterozygotes.

Ambry Genetics
Classification: Benign for Cardiovascular phenotype. Last evaluated: 2015-07-10. Review status: criteria provided, single submitter. Criteria: Ambry Variant Classification Scheme 2023. Collection method: clinical testing. Allele origin: germline.

Natera, Inc.
Classification: Likely benign for Becker muscular dystrophy; Cardiomyopathy; Duchenne muscular dystrophy; Dystrophin deficiency. Last evaluated: 2019-06-24. Review status: no assertion criteria provided. Collection method: clinical testing. Allele origin: germline. Not counted in ClinVar's aggregate classification.